The following is an entry in ClinVar:

ClinVar aggregate classification (germline): Uncertain significance (1 of 4 stars; one submission).

Submission:

Labcorp Genetics (formerly Invitae), Labcorp
Classification: Uncertain significance. Last evaluated: 2026-01-04. Review status: criteria provided, single submitter. Criteria: Invitae Variant Classification Sherloc (09022015). Collection method: clinical testing. Allele origin: germline.
Comment: This sequence change replaces histidine, which is basic and polar, with leucine, which is neutral and non-polar, at codon 469 of the DLL3 protein (p.His469Leu). This variant is not present in population databases (gnomAD no frequency). This variant has not been reported in the literature in individuals affected with DLL3-related conditions. An algorithm developed to predict the effect of missense changes on protein structure and function (PolyPhen-2) suggests that this variant is likely to be tolerated. In summary, the available evidence is currently insufficient to determine the role of this variant in disease. Therefore, it has been classified as a Variant of Uncertain Significance.

NM_203486.3(DLL3):c.1406A>T (p.His469Leu)

Gene: DLL3 (delta like canonical Notch ligand 3; plus strand). Cytogenetic location: 19q13.2.
Variant type: single nucleotide variant.
Coding change: c.1406A>T on transcript NM_203486.3 (MANE Select); coding-DNA position 1406, A replaced by T.
Protein change: p.His469Leu; replaces histidine 469 with leucine.
Molecular consequence: missense variant.
Genome position (GRCh38, 1-based): chr19:39,507,351, A>T. VCF-style: chr19-39507351-A-T. GRCh37 (hg19) VCF-style: chr19-39997991-A-T.
Other names: c.1406A>T, p.His469Leu (NM_016941.4); short protein forms H469L.
Identifiers: ClinVar variation 4734370 (VCV004734370.1).